The following is an entry in ClinVar:

NM_000452.3(SLC10A2):c.807A>G (p.Leu269=)

Gene: SLC10A2 (solute carrier family 10 member 2; minus strand). Cytogenetic location: 13q33.1.
Variant type: single nucleotide variant.
Coding change: c.807A>G on transcript NM_000452.3 (MANE Select); coding-DNA position 807, A replaced by G.
Protein change: p.Leu269=; no amino-acid change (leucine 269 retained).
Molecular consequence: synonymous variant.
Genome position (GRCh38, 1-based): chr13:103,049,401, T>C on the plus strand (A>G on the coding strand, the complement: SLC10A2 is on the minus strand). VCF-style: chr13-103049401-T-C. GRCh37 (hg19) VCF-style: chr13-103701751-T-C.
Other names: c.807A>G (NM_000452.2).
Identifiers: ClinVar variation 2784511 (VCV002784511.4), dbSNP rs200875130, ClinGen allele CA7042038.

ClinVar aggregate classification (germline): Likely benign. Review status: criteria provided, multiple submitters, no conflicts (2 of 4 stars). 2 submissions from 2 submitters: Likely benign (2). Last evaluated 2025-12-28.

Conditions:
SLC10A2-related disorder. Also called: SLC10A2-related condition.

Allele frequency attached by ClinVar (database versions not stated): ExAC 0.00001; gnomAD exomes 0.00001; TOPMed 0.00002; gnomAD 0.00003.
gnomAD v4.1: 18 of 1,613,924 alleles (0.0011%); highest among the groups gnomAD compares: Non-Finnish European, 0.0015%; no homozygotes.

Submissions (2):

PreventionGenetics, part of Exact Sciences
Classification: Likely benign for SLC10A2-related condition. Last evaluated: 2025-12-28. Review status: criteria provided, single submitter. Criteria: ACMG Guidelines, 2015. Collection method: clinical testing. Allele origin: germline.
Comment: This variant is classified as likely benign based on ACMG/AMP sequence variant interpretation guidelines (Richards et al. 2015 PMID: 25741868, with internal and published modifications).

Labcorp Genetics (formerly Invitae), Labcorp
Classification: Likely benign. Last evaluated: 2025-07-21. Review status: criteria provided, single submitter. Criteria: Invitae Variant Classification Sherloc (09022015). Collection method: clinical testing. Allele origin: germline.